The following is an entry in ClinVar:

ClinVar aggregate classification (germline): Uncertain significance (1 of 4 stars; one submission).

Submission:

GeneDx
Classification: Uncertain significance. Last evaluated: 2026-03-23. Review status: criteria provided, single submitter. Criteria: GeneDx Variant Classification Process June 2021. Collection method: clinical testing. Allele origin: germline.
Comment: Not observed at significant frequency in large population cohorts (gnomAD); In silico analysis supports that this missense variant has a deleterious effect on protein structure/function; Has not been previously published as pathogenic or benign to our knowledge

NM_003076.5(SMARCD1):c.802G>A (p.Asp268Asn)

Gene: SMARCD1 (SWI/SNF related BAF chromatin remodeling complex subunit D1; plus strand). Cytogenetic location: 12q13.12.
Variant type: single nucleotide variant.
Coding change: c.802G>A on transcript NM_003076.5 (MANE Select); coding-DNA position 802, G replaced by A.
Protein change: p.Asp268Asn; replaces aspartic acid 268 with asparagine.
Molecular consequence: missense variant.
Genome position (GRCh38, 1-based): chr12:50,089,914, G>A. VCF-style: chr12-50089914-G-A. GRCh37 (hg19) VCF-style: chr12-50483697-G-A.
Other names: c.802G>A, p.Asp268Asn (NM_139071.3); short protein forms D268N.
Identifiers: ClinVar variation 4086516 (VCV004086516.2).